The following is an entry in ClinVar:

NM_016955.4(SEPSECS):c.701+137T>C

Gene: SEPSECS (Sep (O-phosphoserine) tRNA:Sec (selenocysteine) tRNA synthase; minus strand). Cytogenetic location: 4p15.2.
Variant type: single nucleotide variant.
Coding change: c.701+137T>C on transcript NM_016955.4 (MANE Select); 137 bases into the intron after coding-DNA position 701, T replaced by C.
Molecular consequence: intron variant.
Genome position (GRCh38, 1-based): chr4:25,154,861, A>G on the plus strand (T>C on the coding strand, the complement: SEPSECS is on the minus strand). VCF-style: chr4-25154861-A-G. GRCh37 (hg19) VCF-style: chr4-25156483-A-G.
Identifiers: ClinVar variation 669837 (VCV000669837.1), dbSNP rs3733548, ClinGen allele CA15360260.
Genomic context (GRCh38, chr4:25,154,861, plus strand): 5'-TTGTTTTTCCTTGTTATATTTCAAATGGTTGGTTTCCCAAGCTGTTAATGCTATTTCTCC[A>G]CAAGGTCAATCTATTCTCTTAGAACAGACCATTCACCTATTTATTGTGAAGTGTTATTTA-3'

ClinVar aggregate classification (germline): Benign (1 of 4 stars; one submission).

Allele frequency attached by ClinVar (database versions not stated): 1000 Genomes Project 30x 0.27046; 1000 Genomes Project 0.27216; TOPMed 0.36615; gnomAD 0.38927 and 0.39367.

Submission:

GeneDx
Classification: Benign. Last evaluated: 2018-06-16. Review status: criteria provided, single submitter. Criteria: GeneDx Variant Classification (06012015). Collection method: clinical testing. Allele origin: germline. Affected: yes.
Comment: This variant is considered likely benign or benign based on one or more of the following criteria: it is a conservative change, it occurs at a poorly conserved position in the protein, it is predicted to be benign by multiple in silico algorithms, and/or has population frequency not consistent with disease.